The following is an entry in ClinVar:

ClinVar aggregate classification (germline): Conflicting classifications of pathogenicity. Review status: criteria provided, conflicting classifications (1 of 4 stars). 6 submissions from 6 submitters: Uncertain significance (5); Likely benign (1). Last evaluated 2026-01-21.

Conditions:
Fanconi anemia complementation group P. Also called: SLX4-Related Fanconi Anemia. Identifiers: Orphanet 84, MedGen C3469542, MONDO:0013499, OMIM 613951.
Fanconi anemia (FA). Also called: Fanconi's anemia. Identifiers: Orphanet 84, MedGen C0015625, MeSH D005199, MONDO:0019391.

Allele frequency attached by ClinVar (database versions not stated): ExAC 0.00022; gnomAD exomes 0.00022; ESP Exome Variant Server 0.00023; gnomAD 0.00024; TOPMed 0.00031.

Submissions (6):

Labcorp Genetics (formerly Invitae), Labcorp
Classification: Likely benign for Fanconi anemia. Last evaluated: 2026-01-21. Review status: criteria provided, single submitter. Criteria: Invitae Variant Classification Sherloc (09022015). Collection method: clinical testing. Allele origin: germline.

Blueprint Genetics
Classification: Uncertain significance. Last evaluated: 2024-09-05. Review status: criteria provided, single submitter. Criteria: ACMG Guidelines, 2015. Collection method: clinical testing. Allele origin: germline.

Institute for Clinical Genetics, University Hospital TU Dresden, University Hospital TU Dresden
Classification: Uncertain significance. Last evaluated: 2021-11-03. Review status: criteria provided, single submitter. Criteria: ACMG Guidelines, 2015. Collection method: clinical testing. Allele origin: germline.

Sema4
Classification: Uncertain significance for Fanconi anemia. Last evaluated: 2021-07-13. Review status: criteria provided, single submitter. Criteria: Sema4 Curation Guidelines. Collection method: curation. Allele origin: germline.
Comment: The SLX4 c.4590G>A (p.M1530I) variant has been reported in at least three individuals with ovarian cancer, as well as in a healthy control individual (PMID: 32546565). It was observed in 61/282484 chromosomes, with one homozygote, in the large and broad cohorts of the Genome Aggregation Database (PMID: 32461654). The variant has been reported in ClinVar (Variation ID 456327). In silico tools suggest the impact of the variant on protein function is benign, though these predictions have not been confirmed by functional studies. The evidence is insufficient to meet ACMG/AMP criteria for classifying the variant as benign or pathogenic. Thus, the clinical significance of this variant is currently uncertain.

Illumina Laboratory Services, Illumina
Classification: Uncertain significance for Fanconi anemia complementation group P. Last evaluated: 2018-01-13. Review status: criteria provided, single submitter. Criteria: ICSL Variant Classification Criteria 13 December 2019. Collection method: clinical testing. Allele origin: germline.

CeGaT Center for Human Genetics Tuebingen
Classification: Uncertain significance. Last evaluated: 2017-08-01. Review status: criteria provided, single submitter. Criteria: CeGaT Center For Human Genetics Tuebingen Variant Classification Criteria Version 2. Collection method: clinical testing. Allele origin: germline. Affected: yes. Observed: 1 variant allele.

Literature cited by the submitters: PubMed 32546565 (cited by Sema4).

NM_032444.4(SLX4):c.4590G>A (p.Met1530Ile)

Gene: SLX4 (SLX4 structure-specific endonuclease subunit; minus strand). Cytogenetic location: 16p13.3.
Variant type: single nucleotide variant.
Coding change: c.4590G>A on transcript NM_032444.4 (MANE Select); coding-DNA position 4590, G replaced by A.
Protein change: p.Met1530Ile; replaces methionine 1530 with isoleucine.
Molecular consequence: missense variant.
Genome position (GRCh38, 1-based): chr16:3,589,048, C>T on the plus strand (G>A on the coding strand, the complement: SLX4 is on the minus strand). VCF-style: chr16-3589048-C-T. GRCh37 (hg19) VCF-style: chr16-3639049-C-T.
Other names: c.4590G>A (LRG_503t1); short protein forms M1530I.
Identifiers: ClinVar variation 456327 (VCV000456327.61), dbSNP rs147315419, ClinGen allele CA7865592.